The following is an entry in ClinVar:

ClinVar aggregate classification (germline): Uncertain significance. Review status: criteria provided, multiple submitters, no conflicts (2 of 4 stars). 4 submissions from 3 submitters: Uncertain significance (4). Last evaluated 2025-01-18.

Conditions:
Usher syndrome type 2A. Also called: RETINAL DISEASE IN USHER SYNDROME TYPE IIA, MODIFIER OF; USHER SYNDROME, TYPE IIA. Identifiers: Orphanet 231178, Orphanet 886, MedGen C1848634, MONDO:0010169, OMIM 276901.
Retinitis pigmentosa 39 (RP39). Identifiers: Orphanet 791, MedGen C3151138, MONDO:0013436, OMIM 613809.

Submissions (4):

Labcorp Genetics (formerly Invitae), Labcorp
Classification: Uncertain significance. Last evaluated: 2025-01-18. Review status: criteria provided, single submitter. Criteria: Invitae Variant Classification Sherloc (09022015). Collection method: clinical testing. Allele origin: germline.
Comment: This sequence change replaces threonine, which is neutral and polar, with methionine, which is neutral and non-polar, at codon 4204 of the USH2A protein (p.Thr4204Met). This variant is present in population databases (no rsID available, gnomAD 0.006%). This variant has not been reported in the literature in individuals affected with USH2A-related conditions. Experimental studies and prediction algorithms are not available or were not evaluated, and the functional significance of this variant is currently unknown. In summary, the available evidence is currently insufficient to determine the role of this variant in disease. Therefore, it has been classified as a Variant of Uncertain Significance.

Genome-Nilou Lab
Classification: Uncertain significance for Retinitis pigmentosa 39. Last evaluated: 2023-11-04. Review status: criteria provided, single submitter. Criteria: ACMG Guidelines, 2015. Collection method: clinical testing. Allele origin: germline. Affected: no.

Genome-Nilou Lab
Classification: Uncertain significance for Usher syndrome type 2A. Last evaluated: 2023-11-04. Review status: criteria provided, single submitter. Criteria: ACMG Guidelines, 2015. Collection method: clinical testing. Allele origin: germline. Affected: no.

CeGaT Center for Human Genetics Tuebingen
Classification: Uncertain significance. Last evaluated: 2018-09-01. Review status: criteria provided, single submitter. Criteria: CeGaT Center For Human Genetics Tuebingen Variant Classification Criteria Version 2. Collection method: clinical testing. Allele origin: germline. Affected: yes. Observed: 1 variant allele.

NM_206933.4(USH2A):c.12611_12612inv (p.Thr4204Met)

Gene: USH2A (usherin; minus strand). Cytogenetic location: 1q41.
Variant type: Inversion.
Coding change: c.12611_12612inv on transcript NM_206933.4 (MANE Select).
Protein change: p.Thr4204Met; replaces threonine 4204 with methionine.
Molecular consequence: missense variant.
Genome position: GRCh38 VCF-style: chr1-215675299-TG-CA. GRCh37 (hg19) VCF-style: chr1-215848641-TG-CA.
Other names: short protein forms T4204M.
Identifiers: ClinVar variation 1416656 (VCV001416656.33), ClinGen allele CA2573131588.